The following is an entry in ClinVar:

NM_000518.5(HBB):c.316-7C>T

Genes: HBB (hemoglobin subunit beta; minus strand), LOC107133510 (origin of replication at HBB; plus strand), LOC110006319 (beta-globin gene 3' regulatory region; plus strand). Cytogenetic location: 11p15.4.
Variant type: single nucleotide variant.
Coding change: c.316-7C>T on transcript NM_000518.5 (MANE Select); 7 bases into the intron before coding-DNA position 316, C replaced by T.
Molecular consequence: intron variant.
Genome position (GRCh38, 1-based): chr11:5,225,733, G>A on the plus strand (C>T on the coding strand, the complement: HBB is on the minus strand). VCF-style: chr11-5225733-G-A. GRCh37 (hg19) VCF-style: chr11-5246963-G-A.
Identifiers: ClinVar variation 2681989 (VCV002681989.1), dbSNP rs34483965, ClinGen allele CA5839711.

ClinVar aggregate classification (germline): Uncertain significance (1 of 4 stars; one submission).

Allele frequency attached by ClinVar (database versions not stated): ExAC 0.00001.
gnomAD v4.1: 6 of 1,614,056 alleles (0.00037%); highest among the groups gnomAD compares: Non-Finnish European, 0.00051%; no homozygotes.

Submission:

Quest Diagnostics Nichols Institute San Juan Capistrano
Classification: Uncertain significance. Last evaluated: 2023-01-09. Review status: criteria provided, single submitter. Criteria: Quest Diagnostics criteria. Collection method: clinical testing. Allele origin: unknown.
Comment: The HBB c.316-7C>T variant has not been reported in the published literature. Analysis of this variant using software algorithms for the prediction of the effect of nucleotide changes on splicing yielded predictions that this variant does not affect HBB mRNA splicing . Based on the available information, we are unable to determine the clinical significance of this variant.